The following is an entry in ClinVar:

ClinVar aggregate classification (germline): Uncertain significance. Review status: criteria provided, multiple submitters, no conflicts (2 of 4 stars). 3 submissions from 3 submitters: Uncertain significance (3). Last evaluated 2026-03-05.

Conditions:
Inborn genetic diseases. Identifiers: MedGen C0950123, MeSH D030342.

Allele frequency attached by ClinVar (database versions not stated): gnomAD exomes 0.00001.
gnomAD v4.1: 7 of 1,609,416 alleles (0.00043%); highest among the groups gnomAD compares: Non-Finnish European, 0.0006%; no homozygotes.

Submissions (3):

Women's Health and Genetics/Laboratory Corporation of America, LabCorp
Classification: Uncertain significance. Last evaluated: 2026-03-05. Review status: criteria provided, single submitter. Criteria: LabCorp Variant Classification Summary - May 2015. Collection method: clinical testing. Allele origin: germline.
Comment: Variant summary: CACNA1D c.2878A>G (p.Thr960Ala) results in a non-conservative amino acid change in the encoded protein sequence. Algorithms developed to predict the effect of missense changes on protein structure and function are either unavailable or do not agree on the potential impact of this missense change. The variant was absent in 251474 control chromosomes. The available data on variant occurrences in the general population are insufficient to allow any conclusion about variant significance. To our knowledge, no occurrence of c.2878A>G in individuals affected with CACNA1D-related conditions and no experimental evidence demonstrating its impact on protein function have been reported. ClinVar contains an entry for this variant (Variation ID: 1900817). Based on the evidence outlined above, the variant was classified as uncertain significance.

Ambry Genetics
Classification: Uncertain significance for Inborn genetic diseases. Last evaluated: 2025-08-19. Review status: criteria provided, single submitter. Criteria: Ambry Variant Classification Scheme 2023. Collection method: clinical testing. Allele origin: germline.

Labcorp Genetics (formerly Invitae), Labcorp
Classification: Uncertain significance. Last evaluated: 2025-01-31. Review status: criteria provided, single submitter. Criteria: Invitae Variant Classification Sherloc (09022015). Collection method: clinical testing. Allele origin: germline.
Comment: This sequence change replaces threonine, which is neutral and polar, with alanine, which is neutral and non-polar, at codon 960 of the CACNA1D protein (p.Thr960Ala). This variant is not present in population databases (gnomAD no frequency). This variant has not been reported in the literature in individuals affected with CACNA1D-related conditions. ClinVar contains an entry for this variant (Variation ID: 1900817). Invitae Evidence Modeling of protein sequence and biophysical properties (such as structural, functional, and spatial information, amino acid conservation, physicochemical variation, residue mobility, and thermodynamic stability) indicates that this missense variant is not expected to disrupt CACNA1D protein function with a negative predictive value of 80%. In summary, the available evidence is currently insufficient to determine the role of this variant in disease. Therefore, it has been classified as a Variant of Uncertain Significance.

NM_001128840.3(CACNA1D):c.2818A>G (p.Thr940Ala)

Gene: CACNA1D (calcium voltage-gated channel subunit alpha1 D; plus strand). Cytogenetic location: 3p21.1.
Variant type: single nucleotide variant.
Coding change: c.2818A>G on transcript NM_001128840.3 (MANE Select); coding-DNA position 2818, A replaced by G.
Protein change: p.Thr940Ala; replaces threonine 940 with alanine.
Molecular consequence: missense variant.
Genome position (GRCh38, 1-based): chr3:53,743,017, A>G. VCF-style: chr3-53743017-A-G. GRCh37 (hg19) VCF-style: chr3-53777044-A-G.
Other names: c.2878A>G, p.Thr960Ala (NM_000720.4); c.2818A>G, p.Thr940Ala (NM_001128839.3); c.2878A>G (NM_000720.2); short protein forms T940A, T960A.
Identifiers: ClinVar variation 1900817 (VCV001900817.7), dbSNP rs2473909169, ClinGen allele CA353245126.
Genomic context (GRCh38, chr3:53,743,017, plus strand): 5'-TTTCTTTTCCTTTGGAGACAAAAAATGGTAAATCATCCATGATTCTGCTTCTAGATGACA[A>G]CTTTTGGAGCTTTCCTCCACAAAGGGGCCTTCTGCAGGAACTACTTCAATTTGCTGGATA-3'
Protein context (NP_001122312.1, residues 930-950): FTVEILLKMT[Thr940Ala]FGAFLHKGAF